The following is an entry in ClinVar:

ClinVar aggregate classification (germline): Uncertain significance. Review status: criteria provided, multiple submitters, no conflicts (2 of 4 stars). 2 submissions from 2 submitters: Uncertain significance (2). Last evaluated 2023-07-03.

Conditions:
Pontocerebellar hypoplasia type 9. Identifiers: Orphanet 369920, MedGen C4014354, MONDO:0014351, OMIM 615809.
Hereditary spastic paraplegia 63. Also called: Spastic paraplegia 63, autosomal recessive. Identifiers: Orphanet 401805, MedGen C3810295, MONDO:0014305, OMIM 615686.

Allele frequency attached by ClinVar (database versions not stated): gnomAD exomes below 0.00001; TOPMed below 0.00001; ExAC 0.00001.
gnomAD v4.1: 1 of 1,611,404 alleles (0.000062%); highest among the groups gnomAD compares: Admixed American, 0.0017%; no homozygotes.

Submissions (2):

Labcorp Genetics (formerly Invitae), Labcorp
Classification: Uncertain significance for Pontocerebellar hypoplasia type 9; Hereditary spastic paraplegia 63. Last evaluated: 2023-07-03. Review status: criteria provided, single submitter. Criteria: Invitae Variant Classification Sherloc (09022015). Collection method: clinical testing. Allele origin: germline.
Comment: In summary, the available evidence is currently insufficient to determine the role of this variant in disease. Therefore, it has been classified as a Variant of Uncertain Significance. An algorithm developed to predict the effect of missense changes on protein structure and function (PolyPhen-2) suggests that this variant is likely to be disruptive. ClinVar contains an entry for this variant (Variation ID: 1065441). This variant has not been reported in the literature in individuals affected with AMPD2-related conditions. This variant is present in population databases (rs762954605, gnomAD 0.003%). This sequence change replaces arginine, which is basic and polar, with glycine, which is neutral and non-polar, at codon 799 of the AMPD2 protein (p.Arg799Gly).

Genomic Medicine Lab, University of California San Francisco
Classification: Uncertain significance for Pontocerebellar hypoplasia type 9. Last evaluated: 2019-05-02. Review status: criteria provided, single submitter. Criteria: ACMG Guidelines, 2015. Collection method: clinical testing. Allele origin: unknown. Inheritance: Autosomal recessive inheritance. Affected: yes. Study: CSER-P3EGS.

NM_001368809.2(AMPD2):c.2233C>G (p.Arg745Gly)

Gene: AMPD2 (adenosine monophosphate deaminase 2; plus strand). Cytogenetic location: 1p13.3.
Variant type: single nucleotide variant.
Coding change: c.2233C>G on transcript NM_001368809.2 (MANE Select); coding-DNA position 2233, C replaced by G.
Protein change: p.Arg745Gly; replaces arginine 745 with glycine.
Molecular consequence: missense variant.
Genome position (GRCh38, 1-based): chr1:109,630,758, C>G. VCF-style: chr1-109630758-C-G. GRCh37 (hg19) VCF-style: chr1-110173380-C-G.
Other names: c.2041C>G, p.Arg681Gly (NM_001257361.2); c.2170C>G, p.Arg724Gly (NM_001308170.1); c.2233C>G, p.Arg745Gly (NM_004037.9); c.2152C>G, p.Arg718Gly (NM_139156.4); short protein forms R681G, R718G, R724G, R745G.
Identifiers: ClinVar variation 1065441 (VCV001065441.5), dbSNP rs762954605, ClinGen allele CA993354.